The following is an entry in ClinVar:

ClinVar aggregate classification (germline): Uncertain significance (1 of 4 stars; one submission).

Conditions:
Cardiovascular phenotype. Identifiers: MedGen CN230736.

Submission:

Ambry Genetics
Classification: Uncertain significance for Cardiovascular phenotype. Last evaluated: 2026-06-09. Review status: criteria provided, single submitter. Criteria: Ambry Variant Classification Scheme 2023. Collection method: clinical testing. Allele origin: germline.
Comment: The p.A128V variant (also known as c.383C>T), located in coding exon 1 of the TNXB gene, results from a C to T substitution at nucleotide position 383. The alanine at codon 128 is replaced by valine, an amino acid with similar properties. This amino acid position is conserved. In addition, this alteration is predicted to be tolerated by in silico analysis. Based on the available evidence, the clinical significance of this variant remains unclear.

NM_001365276.2(TNXB):c.383C>T (p.Ala128Val)

Gene: TNXB (tenascin XB; minus strand). Cytogenetic location: 6p21.33.
Variant type: single nucleotide variant.
Coding change: c.383C>T on transcript NM_001365276.2 (MANE Select); coding-DNA position 383, C replaced by T.
Protein change: p.Ala128Val; replaces alanine 128 with valine.
Molecular consequence: missense variant.
Genome position (GRCh38, 1-based): chr6:32,097,816, G>A on the plus strand (C>T on the coding strand, the complement: TNXB is on the minus strand). VCF-style: chr6-32097816-G-A. GRCh37 (hg19) VCF-style: chr6-32065593-G-A.
Other names: c.383C>T, p.Ala128Val (NM_001428335.1, NM_019105.8); short protein forms A128V.
Identifiers: ClinVar variation 4865847 (VCV004865847.1).
Genomic context (GRCh38, chr6:32,097,816, plus strand): 5'-CACCCCACCTCTCCACCCTCTTCTGTGATCACCTGCTCACCTGTGCCAGCTTGGGCAGAG[G>A]CAGGACAACATCCCCCAGTGCACTGTTCCTTGAGCCCCTTCACCAACTCCTCCAGGATCT-3'
Protein context (NP_001352205.1, residues 118-138): KEQCTGGCCP[Ala128Val]SAQAGTGQTD